The following is an entry in ClinVar:

NM_001276270.2(MBD4):c.1350A>C (p.Pro450=)

Gene: MBD4 (methyl-CpG binding domain 4, DNA glycosylase; minus strand). Cytogenetic location: 3q21.3.
Variant type: single nucleotide variant.
Coding change: c.1350A>C on transcript NM_001276270.2 (MANE Select); coding-DNA position 1350, A replaced by C.
Protein change: p.Pro450=; no amino-acid change (proline 450 retained).
Molecular consequence: synonymous variant.
Genome position (GRCh38, 1-based): chr3:129,433,893, T>G on the plus strand (A>C on the coding strand, the complement: MBD4 is on the minus strand). VCF-style: chr3-129433893-T-G. GRCh37 (hg19) VCF-style: chr3-129152736-T-G.
Other names: c.1368A>C (NM_003925.2); c.1368A>C, p.Pro456= (NM_001276271.2, NM_001276272.2, NM_003925.3); c.414A>C, p.Pro138= (NM_001276273.2).
Identifiers: ClinVar variation 2740652 (VCV002740652.6), dbSNP rs373984872, ClinGen allele CA2605323.

ClinVar aggregate classification (germline): Benign/Likely benign. Review status: criteria provided, multiple submitters, no conflicts (2 of 4 stars). 4 submissions from 4 submitters: Benign (1); Likely benign (3). Last evaluated 2026-08-05.

Conditions:
Inborn genetic diseases. Identifiers: MedGen C0950123, MeSH D030342.
MBD4-related disorder. Also called: MBD4-related condition.
Tumor predisposition syndrome 2 (TPDS2). Also called: MBD4-Related Tumor Predisposition Syndrome; MBD4-associated neoplasia syndrome (MANS); MBD4-ASSOCIATED NEOPLASIA SYNDROME. Identifiers: Orphanet 661526, MedGen C5774186, MONDO:0859267, OMIM 619975.

Submissions (4):

PreventionGenetics, part of Exact Sciences
Classification: Likely benign for MBD4-related condition. Last evaluated: 2026-08-05. Review status: criteria provided, single submitter. Criteria: ACMG Guidelines, 2015. Collection method: clinical testing. Allele origin: germline.
Comment: This variant is classified as likely benign based on ACMG/AMP sequence variant interpretation guidelines (Richards et al. 2015 PMID: 25741868, with internal and published modifications).

Myriad Genetics, Inc.
Classification: Benign for Tumor predisposition syndrome 2. Last evaluated: 2026-06-11. Review status: criteria provided, single submitter. Criteria: Myriad Autosomal Dominant, Autosomal Recessive and X-Linked Classification Criteria (2023). Collection method: clinical testing. Allele origin: unknown.
Comment: This variant is considered benign. This variant is a silent/synonymous amino acid change and it is not expected to impact splicing.

Labcorp Genetics (formerly Invitae), Labcorp
Classification: Likely benign. Last evaluated: 2025-11-30. Review status: criteria provided, single submitter. Criteria: Invitae Variant Classification Sherloc (09022015). Collection method: clinical testing. Allele origin: germline.

Ambry Genetics
Classification: Likely benign for Inborn genetic diseases. Last evaluated: 2024-11-30. Review status: criteria provided, single submitter. Criteria: Ambry Variant Classification Scheme 2023. Collection method: clinical testing. Allele origin: germline.